The following is an entry in ClinVar:

NM_001079872.2(CUL4B):c.2592+1G>T

Gene: CUL4B (cullin 4B; minus strand). Cytogenetic location: Xq24.
Variant type: single nucleotide variant.
Coding change: c.2592+1G>T on transcript NM_001079872.2 (MANE Select); the canonical splice donor site of the intron after coding-DNA position 2592, G replaced by T.
Molecular consequence: splice donor variant.
Genome position (GRCh38, 1-based): chrX:120,530,101, C>A on the plus strand (G>T on the coding strand, the complement: CUL4B is on the minus strand). VCF-style: chrX-120530101-C-A. GRCh37 (hg19) VCF-style: chrX-119663956-C-A.
Other names: NC_000023.10:g.119663956C>A; c.2646+1G>T (NM_003588.4); c.2607+1G>T (NM_001330624.2); c.2058+1G>T (NM_001369145.1).
Identifiers: ClinVar variation 4467825 (VCV004467825.2).

ClinVar aggregate classification (germline): Likely pathogenic (1 of 4 stars; one submission).

Submissions (2):

GeneDx
Classification: Likely pathogenic. Last evaluated: 2026-02-24. Review status: criteria provided, single submitter. Criteria: GeneDx Variant Classification Process June 2021. Collection method: clinical testing. Allele origin: germline.
Comment: Canonical splice site variant predicted to result in an in-frame loss of the adjacent exon in a gene for which loss of function is a known mechanism of disease; Not observed at significant frequency in large population cohorts (gnomAD); Has not been previously published as pathogenic or benign to our knowledge

Dr. Peter K. Rogan Lab, Western University
No classification provided (evidence only). Condition: Thyroid cancer, nonmedullary, 1. Review status: no classification provided. Collection method: in vitro. Allele origin: not applicable. Functional consequence: retained intron. Not counted in ClinVar's aggregate classification.